The following is an entry in ClinVar:

NM_001035.3(RYR2):c.7176T>C (p.Tyr2392=)

Gene: RYR2 (ryanodine receptor 2; plus strand). Cytogenetic location: 1q43.
Variant type: single nucleotide variant.
Coding change: c.7176T>C on transcript NM_001035.3 (MANE Select); coding-DNA position 7176, T replaced by C.
Protein change: p.Tyr2392=; no amino-acid change (tyrosine 2392 retained).
Molecular consequence: synonymous variant.
Genome position (GRCh38, 1-based): chr1:237,640,957, T>C. VCF-style: chr1-237640957-T-C. GRCh37 (hg19) VCF-style: chr1-237804257-T-C.
Other names: c.7176T>C (NM_001035.2).
Identifiers: ClinVar variation 3251000 (VCV003251000.19), dbSNP rs1259613836.

ClinVar aggregate classification (germline): Likely benign. Review status: criteria provided, multiple submitters, no conflicts (2 of 4 stars). 3 submissions from 3 submitters: Likely benign (3). Last evaluated 2025-07-14.

Conditions:
Cardiovascular phenotype. Identifiers: MedGen CN230736.
Cardiomyopathy (CMYO). Also called: Cardiomyopathies. Identifiers: Orphanet 167848, MedGen C0878544, MONDO:0004994, HP:0001638. Inheritance: Various modes of inheritance.

Allele frequency attached by ClinVar (database versions not stated): gnomAD exomes below 0.00001.
gnomAD v4.1: 3 of 1,613,618 alleles (0.00019%); highest among the groups gnomAD compares: Non-Finnish European, 0.00025%; no homozygotes.

Submissions (3):

Color Diagnostics, LLC DBA Color Health
Classification: Likely benign for Cardiomyopathy. Last evaluated: 2025-07-14. Review status: criteria provided, single submitter. Criteria: ACMG Guidelines, 2015. Collection method: clinical testing. Allele origin: germline.

Ambry Genetics
Classification: Likely benign for Cardiovascular phenotype. Last evaluated: 2025-04-02. Review status: criteria provided, single submitter. Criteria: Ambry Variant Classification Scheme 2023. Collection method: clinical testing. Allele origin: germline.

CeGaT Center for Human Genetics Tuebingen
Classification: Likely benign. Last evaluated: 2024-06-01. Review status: criteria provided, single submitter. Criteria: CeGaT Center For Human Genetics Tuebingen Variant Classification Criteria Version 2. Collection method: clinical testing. Allele origin: germline. Affected: yes. Observed: 1 variant allele.
Comment: RYR2: PM2:Supporting, BP4, BP7